The following is an entry in ClinVar:

ClinVar aggregate classification (germline): Uncertain significance. Review status: criteria provided, single submitter (1 of 4 stars). 2 submissions from 2 submitters: Uncertain significance (1). 1 of the submissions does not count toward it. Last evaluated 2021-08-30.

Conditions:
PMM2-congenital disorder of glycosylation. Also called: CDG Ia; JAEKEN SYNDROME; Congenital disorder of glycosylation, type Ia; PHOSPHOMANNOMUTASE 2 DEFICIENCY; CARBOHYDRATE-DEFICIENT GLYCOPROTEIN SYNDROME, TYPE Ia; PMM2-CDG. Identifiers: Orphanet 79318, MedGen C0349653, MONDO:0008907, OMIM 212065.

gnomAD v4.1: 1 of 1,606,160 alleles (0.000062%); no homozygotes.

Submissions (2):

Labcorp Genetics (formerly Invitae), Labcorp
Classification: Uncertain significance for PMM2-congenital disorder of glycosylation. Last evaluated: 2021-08-30. Review status: criteria provided, single submitter. Criteria: Invitae Variant Classification Sherloc (09022015). Collection method: clinical testing. Allele origin: germline.
Comment: This sequence change replaces proline with arginine at codon 20 of the PMM2 protein (p.Pro20Arg). The proline residue is moderately conserved and there is a moderate physicochemical difference between proline and arginine. This variant is not present in population databases (ExAC no frequency). This variant has not been reported in the literature in individuals affected with PMM2-related conditions. Algorithms developed to predict the effect of missense changes on protein structure and function are either unavailable or do not agree on the potential impact of this missense change (SIFT: "Deleterious"; PolyPhen-2: "Possibly Damaging"; Align-GVGD: "Class C0"). In summary, the available evidence is currently insufficient to determine the role of this variant in disease. Therefore, it has been classified as a Variant of Uncertain Significance.

Natera, Inc.
Classification: Uncertain significance for Congenital disorder of glycosylation type 1a. Last evaluated: 2020-09-18. Review status: no assertion criteria provided. Collection method: clinical testing. Allele origin: germline. Not counted in ClinVar's aggregate classification.

NM_000303.3(PMM2):c.59C>G (p.Pro20Arg)

Gene: PMM2 (phosphomannomutase 2; plus strand). Cytogenetic location: 16p13.2.
Variant type: single nucleotide variant.
Coding change: c.59C>G on transcript NM_000303.3 (MANE Select); coding-DNA position 59, C replaced by G.
Protein change: p.Pro20Arg; replaces proline 20 with arginine.
Molecular consequence: missense variant.
Genome position (GRCh38, 1-based): chr16:8,797,941, C>G. VCF-style: chr16-8797941-C-G. GRCh37 (hg19) VCF-style: chr16-8891798-C-G.
Other names: short protein forms P20R.
Identifiers: ClinVar variation 835199 (VCV000835199.10), dbSNP rs2060588870, ClinGen allele CA394694908.
Genomic context (GRCh38, chr16:8,797,941, plus strand): 5'-ACATGGCAGCGCCTGGCCCAGCGCTCTGCCTCTTCGACGTGGATGGGACCCTCACCGCCC[C>G]GCGGCAGGTAAGTGGCGGCCGGCGGGCTGCTGGCAGCCGACGCGGAGCCCGTGCTGTTCC-3'
Protein context (NP_000294.1, residues 10-30): LFDVDGTLTA[Pro20Arg]RQKITKEMDD